The following is an entry in ClinVar:

NM_003839.4(TNFRSF11A):c.*1269G>C

Gene: TNFRSF11A (TNF receptor superfamily member 11a; plus strand). Cytogenetic location: 18q21.33.
Variant type: single nucleotide variant.
Coding change: c.*1269G>C on transcript NM_003839.4 (MANE Select); 1269 bases downstream of the stop codon, G replaced by C.
Molecular consequence: 3 prime UTR variant.
Genome position (GRCh38, 1-based): chr18:62,386,303, G>C. VCF-style: chr18-62386303-G-C. GRCh37 (hg19) VCF-style: chr18-60053536-G-C.
Other names: c.*1544G>C (NM_001270949.2); c.*1269G>C (NM_001270950.2, NM_001270951.2, NM_001278268.2).
Identifiers: ClinVar variation 892546 (VCV000892546.4), dbSNP rs115023470, ClinGen allele CA301715835.

ClinVar aggregate classification (germline): Benign. Review status: criteria provided, single submitter (1 of 4 stars). 2 submissions from 1 submitter: Benign (2). Last evaluated 2018-01-13.

Conditions:
Autosomal recessive osteopetrosis 7. Identifiers: Orphanet 178389, MedGen C2676766, MONDO:0012859, OMIM 612301.
Paget disease of bone 2, early-onset (PDB2). Also called: Paget disease of bone 2. Identifiers: MedGen C4085251, MONDO:0011183, OMIM 602080.

Allele frequency attached by ClinVar (database versions not stated): 1000 Genomes Project 0.01438; TOPMed 0.01511; 1000 Genomes Project 30x 0.01515.

Submissions (2):

Illumina Laboratory Services, Illumina
Classification: Benign for Autosomal recessive osteopetrosis 7. Last evaluated: 2018-01-13. Review status: criteria provided, single submitter. Criteria: ICSL Variant Classification Criteria 13 December 2019. Collection method: clinical testing. Allele origin: germline.
Comment: This variant was observed in the ICSL laboratory as part of a predisposition screen in an ostensibly healthy population. It had not been previously curated by ICSL or reported in the Human Gene Mutation Database (HGMD: prior to June 1st, 2018), and was therefore a candidate for classification through an automated scoring system. Utilizing variant allele frequency, disease prevalence and penetrance estimates, and inheritance mode, an automated score was calculated to assess if this variant is too frequent to cause the disease. Based on the score and internal cut-off values, a variant classified as benign is not then subjected to further curation. The score for this variant resulted in a classification of benign for this disease.

Illumina Laboratory Services, Illumina
Classification: Benign for Paget disease of bone 2, early-onset. Last evaluated: 2018-01-13. Review status: criteria provided, single submitter. Criteria: ICSL Variant Classification Criteria 13 December 2019. Collection method: clinical testing. Allele origin: germline.
Comment: the same text as in the submission from Illumina Laboratory Services, Illumina above.